The following is an entry in ClinVar:

ClinVar aggregate classification (germline): Uncertain significance (1 of 4 stars; one submission).

Conditions:
Immunodeficiency 35 (IMD35). Also called: TYK2 DEFICIENCY; HIES WITH ATYPICAL MYCOBACTERIOSIS, AUTOSOMAL RECESSIVE; HYPER-IgE SYNDROME WITH ATYPICAL MYCOBACTERIOSIS, AUTOSOMAL RECESSIVE; Susceptibility to infection due to TYK2 deficiency. Identifiers: Orphanet 331226, MedGen C1969086, MONDO:0012682, OMIM 611521.

Submission:

Labcorp Genetics (formerly Invitae), Labcorp
Classification: Uncertain significance for Immunodeficiency 35. Last evaluated: 2022-04-25. Review status: criteria provided, single submitter. Criteria: Invitae Variant Classification Sherloc (09022015). Collection method: clinical testing. Allele origin: germline.
Comment: In summary, the available evidence is currently insufficient to determine the role of this variant in disease. Therefore, it has been classified as a Variant of Uncertain Significance. Algorithms developed to predict the effect of missense changes on protein structure and function output the following: SIFT: "Not Available"; PolyPhen-2: "Benign"; Align-GVGD: "Not Available". The serine amino acid residue is found in multiple mammalian species, which suggests that this missense change does not adversely affect protein function. This variant has not been reported in the literature in individuals affected with TYK2-related conditions. This variant is not present in population databases (gnomAD no frequency). This sequence change replaces proline, which is neutral and non-polar, with serine, which is neutral and polar, at codon 646 of the TYK2 protein (p.Pro646Ser).

NM_003331.5(TYK2):c.1936C>T (p.Pro646Ser)

Gene: TYK2 (tyrosine kinase 2; minus strand). Cytogenetic location: 19p13.2.
Variant type: single nucleotide variant.
Coding change: c.1936C>T on transcript NM_003331.5 (MANE Select); coding-DNA position 1936, C replaced by T.
Protein change: p.Pro646Ser; replaces proline 646 with serine.
Molecular consequence: missense variant. On other transcripts: intron variant (1).
Genome position (GRCh38, 1-based): chr19:10,361,793, G>A on the plus strand (C>T on the coding strand, the complement: TYK2 is on the minus strand). VCF-style: chr19-10361793-G-A. GRCh37 (hg19) VCF-style: chr19-10472469-G-A.
Other names: c.1936C>T, p.Pro646Ser (NM_001385197.1, NM_001385198.1, NM_001385200.1 and 3 more transcripts); c.1738C>T, p.Pro580Ser (NM_001385201.1); c.1852C>T, p.Pro618Ser (NM_001385202.1); c.1846C>T, p.Pro616Ser (NM_001385205.1); c.1810C>T, p.Pro604Ser (NM_001385206.1); c.1918C>T, p.Pro640Ser (NM_001385207.1); c.1774-195C>T (NM_001385199.1); short protein forms P580S, P616S, P604S, P618S, P640S, P646S.
Identifiers: ClinVar variation 2126967 (VCV002126967.4), dbSNP rs2512525682, ClinGen allele CA404002229.